The following is an entry in ClinVar:

NM_001035.3(RYR2):c.3321G>C (p.Thr1107=)

Gene: RYR2 (ryanodine receptor 2; plus strand). Cytogenetic location: 1q43.
Variant type: single nucleotide variant.
Coding change: c.3321G>C on transcript NM_001035.3 (MANE Select); coding-DNA position 3321, G replaced by C.
Protein change: p.Thr1107=; no amino-acid change (threonine 1107 retained).
Molecular consequence: synonymous variant.
Genome position (GRCh38, 1-based): chr1:237,566,673, G>C. VCF-style: chr1-237566673-G-C. GRCh37 (hg19) VCF-style: chr1-237729973-G-C.
Identifiers: ClinVar variation 1414174 (VCV001414174.14), dbSNP rs377716608, ClinGen allele CA423819168.

ClinVar aggregate classification (germline): Likely benign. Review status: criteria provided, multiple submitters, no conflicts (2 of 4 stars). 5 submissions from 5 submitters: Likely benign (5). Last evaluated 2026-01-27.

Conditions:
Catecholaminergic polymorphic ventricular tachycardia (CVPT). Also called: Catecholamine-induced polymorphic ventricular tachycardia. Identifiers: Orphanet 3286, MedGen C5574922, MONDO:0017990.
Cardiovascular phenotype. Identifiers: MedGen CN230736.
Cardiomyopathy (CMYO). Also called: Cardiomyopathies. Identifiers: Orphanet 167848, MedGen C0878544, MONDO:0004994, HP:0001638. Inheritance: Various modes of inheritance.
Catecholaminergic polymorphic ventricular tachycardia 1. Also called: VENTRICULAR TACHYCARDIA, CATECHOLAMINERGIC POLYMORPHIC, 1, WITH OR WITHOUT ATRIAL DYSFUNCTION AND/OR DILATED CARDIOMYOPATHY; VENTRICULAR TACHYCARDIA, STRESS-INDUCED POLYMORPHIC 1; RYR2-Related Catecholaminergic Polymorphic Ventricular Tachycardia. Identifiers: Orphanet 3286, MedGen C1631597, MONDO:0011484, OMIM 604772.

gnomAD v4.1: 9 of 1,613,756 alleles (0.00056%); highest among the groups gnomAD compares: Non-Finnish European, 0.00068%; no homozygotes.

Submissions (5):

Labcorp Genetics (formerly Invitae), Labcorp
Classification: Likely benign for Catecholaminergic polymorphic ventricular tachycardia 1. Last evaluated: 2026-01-27. Review status: criteria provided, single submitter. Criteria: Invitae Variant Classification Sherloc (09022015). Collection method: clinical testing. Allele origin: germline.

Blueprint Genetics
Classification: Likely benign. Last evaluated: 2024-11-14. Review status: criteria provided, single submitter. Criteria: ACMG Guidelines, 2015. Collection method: clinical testing. Allele origin: germline.

All of Us Research Program, National Institutes of Health
Classification: Likely benign for Catecholaminergic polymorphic ventricular tachycardia. Last evaluated: 2023-08-28. Review status: criteria provided, single submitter. Criteria: ACMG Guidelines, 2015. Collection method: clinical testing. Allele origin: germline. Inheritance: Autosomal dominant inheritance. Observed: 2 variant alleles, 2 heterozygotes.
Comment: This study involves interpretation of variants in research participants for the purpose of population health screening. Participant phenotype was not available at the time of variant classification. Additional details can be found in publication PMID: 35346344, PMCID: PMC8962531

Color Diagnostics, LLC DBA Color Health
Classification: Likely benign for Cardiomyopathy. Last evaluated: 2023-08-09. Review status: criteria provided, single submitter. Criteria: ACMG Guidelines, 2015. Collection method: clinical testing. Allele origin: germline.

Ambry Genetics
Classification: Likely benign for Cardiovascular phenotype. Last evaluated: 2021-05-24. Review status: criteria provided, single submitter. Criteria: Ambry Variant Classification Scheme 2023. Collection method: clinical testing. Allele origin: germline.